The following is an entry in ClinVar:

ClinVar aggregate classification (germline): Likely benign. Review status: criteria provided, multiple submitters, no conflicts (2 of 4 stars). 3 submissions from 3 submitters: Likely benign (3). Last evaluated 2026-02-02.

Conditions:
Oculocutaneous albinism type 3 (OCA3). Also called: RUFOUS OCULOCUTANEOUS ALBINISM; XANTHISM; Rufous OCA; Rufous albinism; Albinism, oculocutaneous, type III; ALBINISM III. Identifiers: Orphanet 79433, MedGen C0342683, MONDO:0008747, OMIM 203290.

Allele frequency attached by ClinVar (database versions not stated): ESP Exome Variant Server 0.00038; 1000 Genomes Project 0.00060; gnomAD exomes 0.00062 and 0.00076; TOPMed 0.00063; ExAC 0.00064; 1000 Genomes Project 30x 0.00078; gnomAD 0.00080 and 0.00084.
gnomAD v4.1: 1,230 of 1,613,952 alleles (0.076%); highest among the groups gnomAD compares: Non-Finnish European, 0.084%; 1 homozygote.

Submissions (3):

Labcorp Genetics (formerly Invitae), Labcorp
Classification: Likely benign. Last evaluated: 2026-02-02. Review status: criteria provided, single submitter. Criteria: Invitae Variant Classification Sherloc (09022015). Collection method: clinical testing. Allele origin: germline.

Blueprint Genetics
Classification: Likely benign. Last evaluated: 2024-08-26. Review status: criteria provided, single submitter. Criteria: ACMG Guidelines, 2015. Collection method: clinical testing. Allele origin: germline.

Illumina Laboratory Services, Illumina
Classification: Likely benign for Oculocutaneous albinism type 3. Last evaluated: 2017-04-28. Review status: criteria provided, single submitter. Criteria: ICSL Variant Classification Criteria 13 December 2019. Collection method: clinical testing. Allele origin: germline.
Comment: This variant was observed as part of a predisposition screen in an ostensibly healthy population. A literature search was performed for the gene, cDNA change, and amino acid change (where applicable). Publications were found based on this search. The evidence from the literature, in combination with allele frequency data from public databases where available, was sufficient to determine this variant is unlikely to cause disease. Therefore, this variant is classified as likely benign.

Literature cited by the submitters: PubMed 23862152 (cited by Illumina Laboratory Services, Illumina).

NM_000550.3(TYRP1):c.67C>T (p.Arg23Trp)

Gene: TYRP1 (tyrosinase related protein 1; plus strand). Cytogenetic location: 9p23.
Variant type: single nucleotide variant.
Coding change: c.67C>T on transcript NM_000550.3 (MANE Select); coding-DNA position 67, C replaced by T.
Protein change: p.Arg23Trp; replaces arginine 23 with tryptophan.
Molecular consequence: missense variant.
Genome position (GRCh38, 1-based): chr9:12,694,063, C>T. VCF-style: chr9-12694063-C-T. GRCh37 (hg19) VCF-style: chr9-12694063-C-T.
Other names: short protein forms R23W.
Identifiers: ClinVar variation 913604 (VCV000913604.13), dbSNP rs141834891, ClinGen allele CA4985098.
Genomic context (GRCh38, chr9:12,694,063, plus strand): 5'-GCTCCTAAACTCCTCTCTCTGGGCTGTATCTTCTTCCCCTTGCTACTTTTTCAGCAGGCC[C>T]GGGCTCAATTCCCAAGACAGTGTGCCACTGTTGAGGCTTTGAGAAGTGGTATGTGTTGCC-3'
Protein context (NP_000541.1, residues 13-33): FFPLLLFQQA[Arg23Trp]AQFPRQCATV